The following is an entry in ClinVar:

NM_021975.4(RELA):c.1057T>A (p.Ser353Thr)

Gene: RELA (RELA proto-oncogene, NF-kB subunit; minus strand). Cytogenetic location: 11q13.1.
Variant type: single nucleotide variant.
Coding change: c.1057T>A on transcript NM_021975.4 (MANE Select); coding-DNA position 1057, T replaced by A.
Protein change: p.Ser353Thr; replaces serine 353 with threonine.
Molecular consequence: missense variant. On other transcripts: intron variant (1).
Genome position (GRCh38, 1-based): chr11:65,654,977, A>T on the plus strand (T>A on the coding strand, the complement: RELA is on the minus strand). VCF-style: chr11-65654977-A-T. GRCh37 (hg19) VCF-style: chr11-65422448-A-T.
Other names: c.1057T>A, p.Ser353Thr (NM_001243985.2); c.1090T>A, p.Ser364Thr (NM_001404657.1); c.1030T>A, p.Ser344Thr (NM_001404658.1); c.844T>A, p.Ser282Thr (NM_001404659.1); c.739T>A, p.Ser247Thr (NM_001404660.1); c.676T>A, p.Ser226Thr (NM_001404661.1); c.964T>A, p.Ser322Thr (NM_001404662.1, NM_001404663.1); c.1048T>A, p.Ser350Thr (NM_001145138.2); and 1 more; short protein forms S226T, S282T, S350T, S364T, S322T, S353T, S247T, S344T.
Identifiers: ClinVar variation 3662293 (VCV003662293.2).

ClinVar aggregate classification (germline): Uncertain significance (1 of 4 stars; one submission).

Submission:

Labcorp Genetics (formerly Invitae), Labcorp
Classification: Uncertain significance. Last evaluated: 2024-11-11. Review status: criteria provided, single submitter. Criteria: Invitae Variant Classification Sherloc (09022015). Collection method: clinical testing. Allele origin: germline.
Comment: This sequence change replaces serine, which is neutral and polar, with threonine, which is neutral and polar, at codon 353 of the RELA protein (p.Ser353Thr). This variant is not present in population databases (gnomAD no frequency). This variant has not been reported in the literature in individuals affected with RELA-related conditions. An algorithm developed to predict the effect of missense changes on protein structure and function outputs the following: PolyPhen-2: "Benign". The threonine amino acid residue is found in multiple mammalian species, which suggests that this missense change does not adversely affect protein function. In summary, the available evidence is currently insufficient to determine the role of this variant in disease. Therefore, it has been classified as a Variant of Uncertain Significance.